The following is an entry in ClinVar:

NM_002878.4(RAD51D):c.784C>T (p.Pro262Ser)

Genes: RAD51D (RAD51 paralog D; minus strand), RAD51L3-RFFL (RAD51L3-RFFL readthrough; minus strand). Cytogenetic location: 17q12.
Variant type: single nucleotide variant.
Coding change: c.784C>T on transcript NM_002878.4 (MANE Select); coding-DNA position 784, C replaced by T.
Protein change: p.Pro262Ser; replaces proline 262 with serine.
Molecular consequence: missense variant. On other transcripts: non-coding transcript variant (3).
Genome position (GRCh38, 1-based): chr17:35,101,320, G>A on the plus strand (C>T on the coding strand, the complement: RAD51D is on the minus strand). VCF-style: chr17-35101320-G-A. GRCh37 (hg19) VCF-style: chr17-33428339-G-A.
Other names: c.784C>T (NM_002878.3); c.844C>T, p.Pro282Ser (NM_001142571.2); c.448C>T, p.Pro150Ser (NM_133629.3); short protein forms P150S, P262S, P282S.
Identifiers: ClinVar variation 1062133 (VCV001062133.6), dbSNP rs1340405420, ClinGen allele CA399086838.

ClinVar aggregate classification (germline): Uncertain significance. Review status: criteria provided, multiple submitters, no conflicts (2 of 4 stars). 2 submissions from 2 submitters: Uncertain significance (2). Last evaluated 2026-05-27.

Conditions:
Hereditary cancer-predisposing syndrome. Also called: Hereditary neoplastic syndrome; Neoplastic Syndromes, Hereditary; Tumor predisposition; Hereditary Cancer Syndrome. Identifiers: Orphanet 140162, MedGen C0027672, MeSH D009386, MONDO:0015356.
Breast-ovarian cancer, familial, susceptibility to, 4. Identifiers: Orphanet 145, MedGen C3280345, MONDO:0013669, OMIM 614291.

Submissions (2):

Ambry Genetics
Classification: Uncertain significance for Hereditary cancer-predisposing syndrome. Last evaluated: 2026-05-27. Review status: criteria provided, single submitter. Criteria: Ambry Variant Classification Scheme 2023. Collection method: clinical testing. Allele origin: germline.
Comment: The p.P262S variant (also known as c.784C>T), located in coding exon 9 of the RAD51D gene, results from a C to T substitution at nucleotide position 784. The proline at codon 262 is replaced by serine, an amino acid with similar properties. This amino acid position is conserved. In addition, the in silico prediction for this alteration is inconclusive. Based on the available evidence, the clinical significance of this variant remains unclear.

Labcorp Genetics (formerly Invitae), Labcorp
Classification: Uncertain significance for Breast-ovarian cancer, familial, susceptibility to, 4. Last evaluated: 2020-10-20. Review status: criteria provided, single submitter. Criteria: Invitae Variant Classification Sherloc (09022015). Collection method: clinical testing. Allele origin: germline.
Comment: This sequence change replaces proline with serine at codon 262 of the RAD51D protein (p.Pro262Ser). The proline residue is highly conserved and there is a moderate physicochemical difference between proline and serine. This variant is not present in population databases (ExAC no frequency). This variant has not been reported in the literature in individuals with RAD51D-related conditions. Algorithms developed to predict the effect of missense changes on protein structure and function are either unavailable or do not agree on the potential impact of this missense change (SIFT: "Tolerated"; PolyPhen-2: "Possibly Damaging"; Align-GVGD: "Class C0"). In summary, the available evidence is currently insufficient to determine the role of this variant in disease. Therefore, it has been classified as a Variant of Uncertain Significance.